The following is an entry in ClinVar:

ClinVar aggregate classification (germline): Pathogenic (1 of 4 stars; one submission).

Conditions:
Nemaline myopathy 2 (NEM2). Also called: Nemaline myopathy 2, autosomal recessive. Identifiers: MedGen C1850569, MONDO:0009725, OMIM 256030.

Submission:

Labcorp Genetics (formerly Invitae), Labcorp
Classification: Pathogenic for Nemaline myopathy 2. Last evaluated: 2023-02-06. Review status: criteria provided, single submitter. Criteria: Invitae Variant Classification Sherloc (09022015). Collection method: clinical testing. Allele origin: germline.
Comment: This sequence change inserts a large fragment of DNA, likely a transposable element, in exon 12 of the NEB gene (c.1019_1020ins?), causing a frameshift at codon 340 (p.Gly340fs). The exact size and sequence of the insertion cannot be determined by the current assay. However, the insertion is expected to result in an absent or disrupted protein product. This variant is not present in population databases (gnomAD no frequency). This variant has not been reported in the literature in individuals affected with NEB-related conditions. Algorithms developed to predict the effect of sequence changes on RNA splicing suggest that this variant may disrupt the consensus splice site. Retrotransposon insertions including LINE1 (L1), Alu, and SVA (SINE-VNTR-Alu) have been reported to be disease-causing through disruption of either a coding region or splice site (PMID: 19763152, 20307669, 22406018) and loss-of-function variants in NEB are known to be pathogenic (PMID: 25205138). For these reasons, this variant has been classified as Pathogenic.

Literature cited by the submitters: PubMed 19763152; PubMed 20307669; PubMed 22406018; PubMed 25205138.

NM_001164508.2(NEB):c.1019_1020insGCCGGGCGCGGTGGCTCACGCCTGTAATCCCAGCACTTTGGGAGGCCGAGGCGGGCGGATCACGAGGTCAANNNNNNNNNNAAAAAAAAAAAAAAAAAAAAAAAAAAGCTGG (p.Val341fs)

Gene: NEB (nebulin; minus strand). Cytogenetic location: 2q23.3.
Variant type: Insertion.
Coding change: c.1019_1020insGCCGGGCGCGGTGGCTCACGCCTGTAATCCCAGCACTTTGGGAGGCCGAGGCGGGCGGATCACGAGGTCAANNNNNNNNNNAAAAAAAAAAAAAAAAAAAAAAAAAAGCTGG on transcript NM_001164508.2 (MANE Select); coding-DNA positions 1019 to 1020, GCCGGGCGCGGTGGCTCACGCCTGTAATCCCAGCACTTTGGGAGGCCGAGGCGGGCGGATCACGAGGTCAANNNNNNNNNNAAAAAAAAAAAAAAAAAAAAAAAAAAGCTGG inserted.
Protein change: p.Val341fs; shifts the reading frame from valine 341.
Molecular consequence: frameshift variant.
Genome position: GRCh38: chr2:151,709,682-151,709,683. GRCh37 (hg19): chr2:152,566,196-152,566,197.
Other names: c.1019_1020insGCCGGGCGCGGTGGCTCACGCCTGTAATCCCAGCACTTTGGGAGGCCGAGGCGGGCGGATCACGAGGTCAANNNNNNNNNNAAAAAAAAAAAAAAAAAAAAAAAAAAGCTGG, p.Val341fs (NM_004543.5, NM_001164507.2, NM_001271208.2); short protein forms V341fs.
Identifiers: ClinVar variation 2835090 (VCV002835090.3), dbSNP rs2552274579.